The following is an entry in ClinVar:

ClinVar aggregate classification (germline): Uncertain significance (1 of 4 stars; one submission).

Conditions:
Immunodeficiency. Identifiers: MedGen C0021051, MONDO:0021094, HP:0002721.

gnomAD v4.1: 1 of 1,614,106 alleles (0.000062%); highest among the groups gnomAD compares: Non-Finnish European, 0.000085%; no homozygotes.

Submission:

Labcorp Genetics (formerly Invitae), Labcorp
Classification: Uncertain significance for Immunodeficiency. Last evaluated: 2024-04-08. Review status: criteria provided, single submitter. Criteria: Invitae Variant Classification Sherloc (09022015). Collection method: clinical testing. Allele origin: germline.
Comment: This sequence change replaces arginine, which is basic and polar, with glycine, which is neutral and non-polar, at codon 41 of the NFAT5 protein (p.Arg41Gly). This variant is not present in population databases (gnomAD no frequency). This variant has not been reported in the literature in individuals affected with NFAT5-related conditions. An algorithm developed to predict the effect of missense changes on protein structure and function (PolyPhen-2) suggests that this variant is likely to be disruptive. In summary, the available evidence is currently insufficient to determine the role of this variant in disease. Therefore, it has been classified as a Variant of Uncertain Significance.

NM_138713.4(NFAT5):c.403A>G (p.Arg135Gly)

Gene: NFAT5 (nuclear factor of activated T cells 5; plus strand). Cytogenetic location: 16q22.1.
Variant type: single nucleotide variant.
Coding change: c.403A>G on transcript NM_138713.4 (MANE Select); coding-DNA position 403, A replaced by G.
Protein change: p.Arg135Gly; replaces arginine 135 with glycine.
Molecular consequence: missense variant. On other transcripts: intron variant (1).
Genome position (GRCh38, 1-based): chr16:69,647,177, A>G. VCF-style: chr16-69647177-A-G. GRCh37 (hg19) VCF-style: chr16-69681080-A-G.
Other names: c.403A>G, p.Arg135Gly (NM_001113178.3); c.349A>G, p.Arg117Gly (NM_006599.4); c.121A>G, p.Arg41Gly (NM_138714.4, NM_173214.3, NM_173215.3); c.140+10A>G (NM_001367709.1); short protein forms R117G, R135G, R41G.
Identifiers: ClinVar variation 3620719 (VCV003620719.2).